The following is an entry in ClinVar:

ClinVar aggregate classification (germline): Uncertain significance (1 of 4 stars; one submission).

Conditions:
Nephronophthisis. Also called: Juvenile Nephronophthisis. Identifiers: Orphanet 655, MedGen C0687120, MONDO:0019005, HP:0000090.

Submission:

Labcorp Genetics (formerly Invitae), Labcorp
Classification: Uncertain significance for Nephronophthisis. Last evaluated: 2021-12-24. Review status: criteria provided, single submitter. Criteria: Invitae Variant Classification Sherloc (09022015). Collection method: clinical testing. Allele origin: germline.
Comment: This sequence change replaces glutamic acid, which is acidic and polar, with valine, which is neutral and non-polar, at codon 137 of the NPHP1 protein (p.Glu137Val). This variant is not present in population databases (gnomAD no frequency). This variant has not been reported in the literature in individuals affected with NPHP1-related conditions. Algorithms developed to predict the effect of missense changes on protein structure and function are either unavailable or do not agree on the potential impact of this missense change (SIFT: "Deleterious"; PolyPhen-2: "Benign"; Align-GVGD: "Class C0"). In summary, the available evidence is currently insufficient to determine the role of this variant in disease. Therefore, it has been classified as a Variant of Uncertain Significance.

NM_001128178.3(NPHP1):c.410A>T (p.Glu137Val)

Gene: NPHP1 (nephrocystin 1; minus strand). Cytogenetic location: 2q13.
Variant type: single nucleotide variant.
Coding change: c.410A>T on transcript NM_001128178.3 (MANE Select); coding-DNA position 410, A replaced by T.
Protein change: p.Glu137Val; replaces glutamic acid 137 with valine.
Molecular consequence: missense variant.
Genome position (GRCh38, 1-based): chr2:110,169,918, T>A on the plus strand (A>T on the coding strand, the complement: NPHP1 is on the minus strand). VCF-style: chr2-110169918-T-A. GRCh37 (hg19) VCF-style: chr2-110927495-T-A.
Other names: c.410A>T, p.Glu137Val (NM_000272.5, NM_001374256.1, NM_001374257.1 and 1 more transcripts); c.224A>T, p.Glu75Val (NM_001128179.3); short protein forms E137V, E75V.
Identifiers: ClinVar variation 2058506 (VCV002058506.4), dbSNP rs1682999327, ClinGen allele CA348093030.